The following is an entry in ClinVar:

NM_024513.4(FYCO1):c.590G>T (p.Arg197Leu)

Gene: FYCO1 (FYVE and coiled-coil domain autophagy adaptor 1; minus strand). Cytogenetic location: 3p21.31.
Variant type: single nucleotide variant.
Coding change: c.590G>T on transcript NM_024513.4 (MANE Select); coding-DNA position 590, G replaced by T.
Protein change: p.Arg197Leu; replaces arginine 197 with leucine.
Molecular consequence: missense variant. On other transcripts: 5 prime UTR variant (1), non-coding transcript variant (1).
Genome position (GRCh38, 1-based): chr3:45,969,715, C>A on the plus strand (G>T on the coding strand, the complement: FYCO1 is on the minus strand). VCF-style: chr3-45969715-C-A. GRCh37 (hg19) VCF-style: chr3-46011207-C-A.
Other names: c.590G>T (NM_024513.3); c.590G>T, p.Arg197Leu (NM_001386421.1, NM_001386422.1, NM_001386423.1 and 4 more transcripts); c.470G>T, p.Arg157Leu (NM_001386426.1); c.446G>T, p.Arg149Leu (NM_001386427.1); c.-11G>T (NM_001386430.1); short protein forms R197L, R149L, R157L.
Identifiers: ClinVar variation 2139262 (VCV002139262.5), dbSNP rs376883388, ClinGen allele CA2353424.

ClinVar aggregate classification (germline): Uncertain significance. Review status: criteria provided, multiple submitters, no conflicts (2 of 4 stars). 2 submissions from 2 submitters: Uncertain significance (2). Last evaluated 2025-08-13.

Conditions:
Cataract 18 (CATC2). Also called: CATARACT 18, AUTOSOMAL RECESSIVE. Identifiers: Orphanet 91492, Orphanet 98991, Orphanet 98992, Orphanet 98995, MedGen C1864908, MONDO:0012395, OMIM 610019.

gnomAD v4.1: 9 of 1,614,026 alleles (0.00056%); highest among the groups gnomAD compares: Admixed American, 0.015%; no homozygotes.

Submissions (2):

GeneDx
Classification: Uncertain significance. Last evaluated: 2025-08-13. Review status: criteria provided, single submitter. Criteria: GeneDx Variant Classification Process June 2021. Collection method: clinical testing. Allele origin: germline. Affected: yes.
Comment: In silico analysis supports that this missense variant has a deleterious effect on protein structure/function; Has not been previously published as pathogenic or benign to our knowledge

Labcorp Genetics (formerly Invitae), Labcorp
Classification: Uncertain significance for Cataract 18. Last evaluated: 2024-02-23. Review status: criteria provided, single submitter. Criteria: Invitae Variant Classification Sherloc (09022015). Collection method: clinical testing. Allele origin: germline.
Comment: This sequence change replaces arginine, which is basic and polar, with leucine, which is neutral and non-polar, at codon 197 of the FYCO1 protein (p.Arg197Leu). This variant is present in population databases (rs376883388, gnomAD 0.02%). This variant has not been reported in the literature in individuals affected with FYCO1-related conditions. ClinVar contains an entry for this variant (Variation ID: 2139262). An algorithm developed to predict the effect of missense changes on protein structure and function (PolyPhen-2) suggests that this variant is likely to be disruptive. In summary, the available evidence is currently insufficient to determine the role of this variant in disease. Therefore, it has been classified as a Variant of Uncertain Significance.